The following is an entry in ClinVar:

NM_000152.5(GAA):c.1820G>A (p.Gly607Asp)

Gene: GAA (alpha glucosidase; plus strand). Cytogenetic location: 17q25.3.
Variant type: single nucleotide variant.
Coding change: c.1820G>A on transcript NM_000152.5 (MANE Select); coding-DNA position 1820, G replaced by A.
Protein change: p.Gly607Asp; replaces glycine 607 with aspartic acid.
Molecular consequence: missense variant.
Genome position (GRCh38, 1-based): chr17:80,112,643, G>A. VCF-style: chr17-80112643-G-A. GRCh37 (hg19) VCF-style: chr17-78086442-G-A.
Other names: p.Gly607Asp; NM_000152.5(GAA):c.1820G>A; c.1820G>A, p.Gly607Asp (NM_001079803.3, NM_001079804.3); short protein forms G607D.
Identifiers: ClinVar variation 932221 (VCV000932221.25), dbSNP rs1393386120, ClinGen allele CA401369511.

ClinVar aggregate classification (germline): Likely pathogenic. Review status: reviewed by expert panel (3 of 4 stars). 10 submissions from 10 submitters: Likely pathogenic (1). 9 of the submissions do not count toward it. Last evaluated 2024-04-02.

Conditions:
Glycogen storage disease, type II (IOPD). Also called: Glycogen storage disease type 2; Acid maltase deficiency disease; Aglucosidase alfa; Deficiency of alpha-glucosidase; Deficiency of lysosomal alpha-glucosidase; Glucosidase acid-1,4-alpha deficiency. Identifiers: Orphanet 365, MedGen C0017921, MONDO:0009290, OMIM 232300.

Allele frequency attached by ClinVar (database versions not stated): gnomAD 0.00001; gnomAD exomes below 0.00001; TOPMed below 0.00001.
gnomAD v4.1: 2 of 1,612,626 alleles (0.00012%); highest among the groups gnomAD compares: African/African-American, 0.0013%; no homozygotes.

Submissions (10):

ClinGen Lysosomal Storage Disorder Variant Curation Expert Panel
Classification: Likely pathogenic for Glycogen storage disease, type II. Last evaluated: 2024-04-02. Review status: reviewed by expert panel. Criteria: clingen_lsd_acmg_specifications_v2-1. Collection method: curation. Allele origin: germline. Inheritance: Autosomal recessive inheritance.
Comment: The NM_000152.5:c.1820G>A variant in GAA is a missense variant predicted to cause substitution of glycine by aspartic acid at amino acid 607 (p.Gly607Asp). Four probands with symptoms consistent with infantile-onset-Pompe disease have been reported with this variant (PMID: 29889338, 33301762, 37087815), three with documented deficiency of GAA activity (PMID: 33301762, 37097815) (PP4_Moderate). All of these probands are homozygous this variant. This variant is absent in both gnomAD 2.1.1 and 4.0.0 (PM2_Supporting). Expression of the variant in COS-7 cells resulted 2% wild-type GAA activity in one study (PMID: 14695532) and <2% wild-type GAA activity in a separate study (PMID: 19862843) (PS3_Moderate). The computational predictor REVEL gives a score of 0.872 which is above the threshold predicting a damaging (>0.7) or benign (<0.5) impact on GAA function. Two other missense variants, c.1819G>T (p.Gly607Cys) (ClinVar Variation ID: 2118057) and c.1819G>A (p.Gly607Ser) (ClinVar Variation ID: 456385), in the same codon have been reported in patients with Pompe disease. However, these variants have not been classified by the ClinGen Lysosomal Diseases VCEP and, therefore, this evidence is not sufficient to meet PM5 at any strength. There is a ClinVar entry for this variant (Variation ID: 932221). In summary, this variant meets the criteria to be classified as Likely Pathogenic for Pompe disease. GAA-specific ACMG/AMP criteria met, based on specifications of the ClinGen Lysosomal Diseases VCEP (Specifications Version 2.0): PM3, PS3_Moderate, PP4_Moderate, PM2_Supporting, PP3). (Classification approved by the ClinGen Lysosomal Diseases Variant Curation Expert Panel on April 2, 2024)

Genomenon, Inc
Classification: Likely pathogenic for Glycogen storage disease, type II. Last evaluated: 2026-07-01. Review status: criteria provided, single submitter. Criteria: Genomenon Sequence Variant Interpretation Standards - Updated. Collection method: curation. Allele origin: germline. Affected: yes. Not counted in ClinVar's aggregate classification.
Comment: GAA p.Gly607Asp (c.1820G>A) is a missense variant that changes the amino acid at codon 607 from Glycine to Aspartic acid. This variant has been observed in at least one proband with a GAA-related disorder in the compound heterozygous and/or homozygous state (PMID:37087815;33301762;31606152;29889338;14695532). At least one functional study has demonstrated a substantial alteration in protein function relative to the wild-type (PMID:14695532;19862843). It is absent or not present at a significant frequency in gnomAD. In silico models predict that this variant is possibly or probably damaging. In conclusion, we classify GAA p.Gly607Asp (c.1820G>A) as a likely pathogenic variant.

Natera, Inc.
Classification: Likely pathogenic for Glycogen storage disease type II. Last evaluated: 2025-06-03. Review status: criteria provided, single submitter. Criteria: Natera Variant Classification Schema (03/2026). Collection method: clinical testing. Allele origin: germline. Not counted in ClinVar's aggregate classification.
Comment: The c.1820G>A variant in GAA is a missense variant predicted to cause substitution of glycine to aspartic acid at amino acid 607. This variant is rare in the general population with a frequency below the threshold expected for the associated phenotype(s). This variant has been observed in one or more individuals affected with the associated recessive disease, as either homozygous or compound heterozygous with a second variant (PMID: 14695532, 27008195). Functional studies show that this variant may disrupt protein function (PMID: 19862843, 14695532). Computational prediction algorithms indicate this variant is likely to affect gene or protein function. Given the available evidence, this variant is classified as Likely Pathogenic.

Women's Health and Genetics/Laboratory Corporation of America, LabCorp
Classification: Pathogenic for Glycogen storage disease, type II. Last evaluated: 2025-05-28. Review status: criteria provided, single submitter. Criteria: LabCorp Variant Classification Summary - May 2015. Collection method: clinical testing. Allele origin: germline. Not counted in ClinVar's aggregate classification.
Comment: Variant summary: GAA c.1820G>A (p.Gly607Asp) results in a non-conservative amino acid change in the encoded protein sequence. Algorithms developed to predict the effect of missense changes on protein structure and function all suggest that this variant is likely to be disruptive. The frequency data for this variant in gnomAD is considered unreliable, as metrics indicate poor data quality at this position. c.1820G>A has been observed in individuals affected with Glycogen Storage Disease, Type 2 (Pompe Disease) (Hermans_2004, LCG internal data). These data indicate that the variant is likely to be associated with disease. At least one publication reports experimental evidence evaluating an impact on protein function. The most pronounced variant effect results in <10% of normal activity (Hermans_2004). The following publications have been ascertained in the context of this evaluation (PMID: 14695532, 29061980, 27008195). ClinVar contains an entry for this variant (Variation ID: 932221). Based on the evidence outlined above, the variant was classified as pathogenic.

Foundation for Research in Genetics and Endocrinology, FRIGE's Institute of Human Genetics
Classification: Pathogenic for Glycogen storage disease, type II. Last evaluated: 2024-05-31. Review status: criteria provided, single submitter. Criteria: ACMG Guidelines, 2015. Collection method: clinical testing. Allele origin: germline. Inheritance: Autosomal recessive inheritance. Affected: yes. Observed: 1 homozygote. Not counted in ClinVar's aggregate classification.
Comment: A homozygous variant in exon 13 of the GAA gene that results in the amino acid substitution of glycine for aspartic acid at codon 607 was detected. The observed variant c.1820G>A (p.Gly607Asp) has not been reported in the 1000 genomes and gnomAD database. The in silico predictions is damaging by SIFT, MutationTaster and DANN. In summary, the variant meets our criteria to be classified as pathogenic.

Labcorp Genetics (formerly Invitae), Labcorp
Classification: Pathogenic for Glycogen storage disease, type II. Last evaluated: 2023-08-24. Review status: criteria provided, single submitter. Criteria: Invitae Variant Classification Sherloc (09022015). Collection method: clinical testing. Allele origin: germline. Not counted in ClinVar's aggregate classification.
Comment: For these reasons, this variant has been classified as Pathogenic. Experimental studies have shown that this missense change affects GAA function (PMID: 14695532). Advanced modeling of protein sequence and biophysical properties (such as structural, functional, and spatial information, amino acid conservation, physicochemical variation, residue mobility, and thermodynamic stability) performed at Invitae indicates that this missense variant is expected to disrupt GAA protein function. ClinVar contains an entry for this variant (Variation ID: 932221). This missense change has been observed in individual(s) with Pompe disease (PMID: 14695532, 29889338; Invitae). This variant is not present in population databases (gnomAD no frequency). This sequence change replaces glycine, which is neutral and non-polar, with aspartic acid, which is acidic and polar, at codon 607 of the GAA protein (p.Gly607Asp).

Institute of Medical Genetics and Genomics, Sir Ganga Ram Hospital
Classification: Pathogenic for Glycogen storage disease, type II. Last evaluated: 2023-06-14. Review status: criteria provided, single submitter. Criteria: ACMG Guidelines, 2015. Collection method: clinical testing. Allele origin: germline. Inheritance: Autosomal recessive inheritance. Affected: yes. Observed: 1 heterozygote. Not counted in ClinVar's aggregate classification.
Comment: The heterozygous variant c.1820G>A (p.Gly607Asp) has been identified as a compound heterozygous state with the variant c.1524C>T (p.Gln509*). This variant has been previously reported by Hermans MM et al., 2004.

Baylor Genetics
Classification: Likely pathogenic for Glycogen storage disease, type II. Last evaluated: 2023-02-23. Review status: criteria provided, single submitter. Criteria: ACMG Guidelines, 2015. Collection method: clinical testing. Allele origin: unknown. Not counted in ClinVar's aggregate classification.

Myriad Genetics, Inc.
Classification: Likely pathogenic for Glycogen storage disease, type II. Last evaluated: 2021-11-16. Review status: criteria provided, single submitter. Criteria: Myriad Women's Health Autosomal Recessive and X-Linked Classification Criteria (2021). Collection method: clinical testing. Allele origin: unknown. Not counted in ClinVar's aggregate classification.
Comment: NM_000152.3(GAA):c.1820G>A(G607D) is a missense variant classified as likely pathogenic in the context of Pompe disease. G607D has been observed in cases with relevant disease (PMID: 27008195, 14695532, 29889338). Functional assessments of this variant are available in the literature (PMID: 14695532, 19862843). G607D has not been observed in population frequency databases. In summary, NM_000152.3(GAA):c.1820G>A(G607D) is a missense variant that has functional support for pathogenicity and has been observed more frequently in cases with the relevant disease than in healthy populations. Please note: this variant was assessed in the context of healthy population screening.

Revvity Omics, Revvity
Classification: Likely pathogenic. Last evaluated: 2021-02-13. Review status: criteria provided, single submitter. Criteria: ACMG Guidelines, 2015. Collection method: clinical testing. Allele origin: germline. Not counted in ClinVar's aggregate classification.

Literature cited by the submitters: PubMed 37087815 (cited by Genomenon, Inc); PubMed 33301762 (cited by Genomenon, Inc); PubMed 31606152 (cited by Genomenon, Inc); PubMed 29889338 (cited by 3 submitters); PubMed 14695532 (cited by 6 submitters); PubMed 19862843 (cited by 3 submitters); PubMed 27008195 (cited by 3 submitters); PubMed 29061980 (cited by Women's Health and Genetics/Laboratory Corporation of America, LabCorp).